The following is an entry in ClinVar:

ClinVar aggregate classification (germline): Uncertain significance (1 of 4 stars; one submission).

Conditions:
Congenital disorder of glycosylation, type Ii. Also called: ALG2-congenital disorder of glycosylation; CDG Ii; ALG2-CDG. Identifiers: Orphanet 79326, MedGen C1842836, MONDO:0011933, OMIM 607906.
Congenital myasthenic syndrome 14. Also called: Myasthenic syndrome, congenital, 14, with tubular aggregates. Identifiers: Orphanet 353327, Orphanet 590, MedGen C4015597, MONDO:0014543, OMIM 616228.

gnomAD v4.1: 2 of 1,599,020 alleles (0.00013%); highest among the groups gnomAD compares: Non-Finnish European, 0.00017%; no homozygotes.

Submission:

Labcorp Genetics (formerly Invitae), Labcorp
Classification: Uncertain significance for Congenital disorder of glycosylation, type Ii; Congenital myasthenic syndrome 14. Last evaluated: 2022-10-17. Review status: criteria provided, single submitter. Criteria: Invitae Variant Classification Sherloc (09022015). Collection method: clinical testing. Allele origin: germline.
Comment: In summary, the available evidence is currently insufficient to determine the role of this variant in disease. Therefore, it has been classified as a Variant of Uncertain Significance. Algorithms developed to predict the effect of missense changes on protein structure and function are either unavailable or do not agree on the potential impact of this missense change (SIFT: "Deleterious"; PolyPhen-2: "Benign"; Align-GVGD: "Class C0"). This variant has not been reported in the literature in individuals affected with ALG2-related conditions. This variant is not present in population databases (gnomAD no frequency). This sequence change replaces isoleucine, which is neutral and non-polar, with methionine, which is neutral and non-polar, at codon 49 of the ALG2 protein (p.Ile49Met).

NM_033087.4(ALG2):c.147C>G (p.Ile49Met)

Gene: ALG2 (ALG2 alpha-1,3/1,6-mannosyltransferase; minus strand). Cytogenetic location: 9q22.33.
Variant type: single nucleotide variant.
Coding change: c.147C>G on transcript NM_033087.4 (MANE Select); coding-DNA position 147, C replaced by G.
Protein change: p.Ile49Met; replaces isoleucine 49 with methionine.
Molecular consequence: missense variant. On other transcripts: non-coding transcript variant (1).
Genome position (GRCh38, 1-based): chr9:99,221,748, G>C on the plus strand (C>G on the coding strand, the complement: ALG2 is on the minus strand). VCF-style: chr9-99221748-G-C. GRCh37 (hg19) VCF-style: chr9-101984030-G-C.
Other names: short protein forms I49M.
Identifiers: ClinVar variation 2196083 (VCV002196083.4), dbSNP rs774719293, ClinGen allele CA374232233.
Genomic context (GRCh38, chr9:99,221,748, plus strand): 5'-GCGCACCGGTAGCTCGCGGCTCTCGGCGAAACAGTGGCCCGGGTCGTAGTGCGCTGTCCA[G>C]ATCTTCACGCTACACCCGCGCGCCTGCAGCGCCAGCGCCGCGTCCAACACCAGCCGCTCA-3'
Protein context (NP_149078.1, residues 39-59): ALQARGCSVK[Ile49Met]WTAHYDPGHC